The following is an entry in ClinVar:

NM_004260.4(RECQL4):c.2185G>C (p.Val729Leu)

Gene: RECQL4 (RecQ like helicase 4; minus strand). Cytogenetic location: 8q24.3.
Variant type: single nucleotide variant.
Coding change: c.2185G>C on transcript NM_004260.4 (MANE Select); coding-DNA position 2185, G replaced by C.
Protein change: p.Val729Leu; replaces valine 729 with leucine.
Molecular consequence: missense variant.
Genome position (GRCh38, 1-based): chr8:144,513,586, C>G on the plus strand (G>C on the coding strand, the complement: RECQL4 is on the minus strand). VCF-style: chr8-144513586-C-G. GRCh37 (hg19) VCF-style: chr8-145738970-C-G.
Other names: short protein forms V729L.
Identifiers: ClinVar variation 845099 (VCV000845099.6), dbSNP rs376141829, ClinGen allele CA372679607.

ClinVar aggregate classification (germline): Uncertain significance (1 of 4 stars; one submission).

Conditions:
Baller-Gerold syndrome (BGS). Also called: CRANIOSYNOSTOSIS WITH RADIAL DEFECTS. Identifiers: Orphanet 1225, MedGen C0265308, MONDO:0009039, OMIM 218600.

Submission:

Labcorp Genetics (formerly Invitae), Labcorp
Classification: Uncertain significance for Baller-Gerold syndrome. Last evaluated: 2025-09-30. Review status: criteria provided, single submitter. Criteria: Invitae Variant Classification Sherloc (09022015). Collection method: clinical testing. Allele origin: germline.
Comment: This sequence change replaces valine, which is neutral and non-polar, with leucine, which is neutral and non-polar, at codon 729 of the RECQL4 protein (p.Val729Leu). This variant is not present in population databases (gnomAD no frequency). This variant has not been reported in the literature in individuals affected with RECQL4-related conditions. ClinVar contains an entry for this variant (Variation ID: 845099). Invitae Evidence Modeling of protein sequence and biophysical properties (such as structural, functional, and spatial information, amino acid conservation, physicochemical variation, residue mobility, and thermodynamic stability) indicates that this missense variant is not expected to disrupt RECQL4 protein function with a negative predictive value of 80%. In summary, the available evidence is currently insufficient to determine the role of this variant in disease. Therefore, it has been classified as a Variant of Uncertain Significance.